The following is an entry in ClinVar:

NM_002541.4(OGDH):c.2951+4A>G

Gene: OGDH (oxoglutarate dehydrogenase; plus strand). Cytogenetic location: 7p13.
Variant type: single nucleotide variant.
Coding change: c.2951+4A>G on transcript NM_002541.4 (MANE Select); 4 bases into the intron after coding-DNA position 2951, A replaced by G.
Molecular consequence: intron variant.
Genome position (GRCh38, 1-based): chr7:44,707,740, A>G. VCF-style: chr7-44707740-A-G. GRCh37 (hg19) VCF-style: chr7-44747339-A-G.
Other names: c.2984+4A>G (NM_001363523.2); c.2939+4A>G (NM_001165036.2).
Identifiers: ClinVar variation 1356125 (VCV001356125.6), dbSNP rs375926612, ClinGen allele CA4244252.

ClinVar aggregate classification (germline): Uncertain significance (1 of 4 stars; one submission).

Conditions:
Oxoglutaricaciduria. Identifiers: Orphanet 31, MedGen C2752074, MONDO:0008759, OMIM 203740.

Allele frequency attached by ClinVar (database versions not stated): 1000 Genomes Project 30x 0.00016; 1000 Genomes Project 0.00020; TOPMed 0.00029; ESP Exome Variant Server 0.00031; gnomAD 0.00033 and 0.00035; ExAC 0.00041; gnomAD exomes 0.00042 and 0.00072.
gnomAD v4.1: 1,079 of 1,614,120 alleles (0.067%); highest among the groups gnomAD compares: Non-Finnish European, 0.085%; no homozygotes.

Submissions (4):

Labcorp Genetics (formerly Invitae), Labcorp
Classification: Uncertain significance for Oxoglutaricaciduria. Last evaluated: 2026-01-05. Review status: criteria provided, single submitter. Criteria: Invitae Variant Classification Sherloc (09022015). Collection method: clinical testing. Allele origin: germline.
Comment: This sequence change falls in intron 22 of the OGDH gene. It does not directly change the encoded amino acid sequence of the OGDH protein. It affects a nucleotide within the consensus splice site. This variant is present in population databases (rs375926612, gnomAD 0.09%). This variant has not been reported in the literature in individuals affected with OGDH-related conditions. ClinVar contains an entry for this variant (Variation ID: 1356125). Variants that disrupt the consensus splice site are a relatively common cause of aberrant splicing (PMID: 17576681, 9536098). Algorithms developed to predict the effect of sequence changes on RNA splicing suggest that this variant is not likely to affect RNA splicing. In summary, the available evidence is currently insufficient to determine the role of this variant in disease. Therefore, it has been classified as a Variant of Uncertain Significance.

Dr. Peter K. Rogan Lab, Western University
No classification provided (evidence only). Condition: Melanoma. Review status: no classification provided. Collection method: in vitro. Allele origin: not applicable. Functional consequence: retained intron. Not counted in ClinVar's aggregate classification.

Dr. Peter K. Rogan Lab, Western University
No classification provided (evidence only). Condition: Familial cancer of breast. Review status: no classification provided. Collection method: in vitro. Allele origin: not applicable. Functional consequence: retained intron. Not counted in ClinVar's aggregate classification.

Dr. Peter K. Rogan Lab, Western University
No classification provided (evidence only). Condition: Familial pancreatic carcinoma. Review status: no classification provided. Collection method: in vitro. Allele origin: not applicable. Functional consequence: retained intron. Not counted in ClinVar's aggregate classification.

Literature cited by the submitters: PubMed 17576681 (cited by Labcorp Genetics (formerly Invitae), Labcorp); PubMed 9536098 (cited by Labcorp Genetics (formerly Invitae), Labcorp).